The following is an entry in ClinVar:

NM_000426.4(LAMA2):c.7640G>A (p.Gly2547Glu)

Gene: LAMA2 (laminin subunit alpha 2; plus strand). Cytogenetic location: 6q22.33.
Variant type: single nucleotide variant.
Coding change: c.7640G>A on transcript NM_000426.4 (MANE Select); coding-DNA position 7640, G replaced by A.
Protein change: p.Gly2547Glu; replaces glycine 2547 with glutamic acid.
Molecular consequence: missense variant.
Genome position (GRCh38, 1-based): chr6:129,481,330, G>A. VCF-style: chr6-129481330-G-A. GRCh37 (hg19) VCF-style: chr6-129802475-G-A.
Other names: c.7628G>A, p.Gly2543Glu (NM_001079823.2); short protein forms G2547E, G2543E.
Identifiers: ClinVar variation 355298 (VCV000355298.22), dbSNP rs115488979, ClinGen allele CA3994629.

ClinVar aggregate classification (germline): Conflicting classifications of pathogenicity. Review status: criteria provided, conflicting classifications (1 of 4 stars). 6 submissions from 6 submitters: Uncertain significance (1); Likely benign (4). 1 of the submissions does not count toward it. Last evaluated 2026-01-11.

Conditions:
LAMA2-related disorder. Also called: LAMA2-related disorders; LAMA2-related condition.
Congenital muscular dystrophy due to partial LAMA2 deficiency. Identifiers: MedGen C1842898.
LAMA2-related muscular dystrophy (LAMA2-RD). Also called: Laminin alpha 2-related dystrophy. Identifiers: MedGen C5679788, MONDO:0100228.

Allele frequency attached by ClinVar (database versions not stated): gnomAD 0.00154 and 0.00165; 1000 Genomes Project 0.00160; TOPMed 0.00170; ESP Exome Variant Server 0.00200; 1000 Genomes Project 30x 0.00265.
gnomAD v4.1: 483 of 1,613,808 alleles (0.03%); highest among the groups gnomAD compares: African/African-American, 0.58%; 1 homozygote.

Submissions (6):

Labcorp Genetics (formerly Invitae), Labcorp
Classification: Likely benign for LAMA2-related muscular dystrophy. Last evaluated: 2026-01-11. Review status: criteria provided, single submitter. Criteria: Invitae Variant Classification Sherloc (09022015). Collection method: clinical testing. Allele origin: germline.

Women's Health and Genetics/Laboratory Corporation of America, LabCorp
Classification: Likely benign. Last evaluated: 2025-06-19. Review status: criteria provided, single submitter. Criteria: LabCorp Variant Classification Summary - May 2015. Collection method: clinical testing. Allele origin: germline.
Comment: Variant summary: LAMA2 c.7640G>A (p.Gly2547Glu) results in a non-conservative amino acid change in the encoded protein sequence. Algorithms developed to predict the effect of missense changes on protein structure and function are either unavailable or do not agree on the potential impact of this missense change. The variant allele was found at a frequency of 0.00041 in 251206 control chromosomes, predominantly at a frequency of 0.0057 within the African or African-American subpopulation in the gnomAD database, including 1 homozygote. The observed variant frequency within African or African-American control individuals in the gnomAD database is approximately 1.61 fold of the estimated maximal expected allele frequency for a pathogenic variant in LAMA2 causing Merosin deficient congenital muscular dystrophy phenotype (0.0035). To our knowledge, no occurrence of c.7640G>A in individuals affected with Merosin deficient congenital muscular dystrophy and no experimental evidence demonstrating its impact on protein function have been reported. ClinVar contains an entry for this variant (Variation ID: 355298). Based on the evidence outlined above, the variant was classified as likely benign.

Blueprint Genetics
Classification: Likely benign. Last evaluated: 2024-11-13. Review status: criteria provided, single submitter. Criteria: ACMG Guidelines, 2015. Collection method: clinical testing. Allele origin: germline.

GeneDx
Classification: Likely benign. Last evaluated: 2020-08-28. Review status: criteria provided, single submitter. Criteria: GeneDx Variant Classification Process June 2021. Collection method: clinical testing. Allele origin: germline. Affected: yes.

Illumina Laboratory Services, Illumina
Classification: Uncertain significance for Congenital muscular dystrophy due to partial LAMA2 deficiency. Last evaluated: 2018-01-12. Review status: criteria provided, single submitter. Criteria: ICSL Variant Classification Criteria 13 December 2019. Collection method: clinical testing. Allele origin: germline.

PreventionGenetics, part of Exact Sciences
Classification: Likely benign for LAMA2-related condition. Last evaluated: 2022-05-17. Review status: no assertion criteria provided. Collection method: clinical testing. Allele origin: germline. Not counted in ClinVar's aggregate classification.
Comment: This variant is classified as likely benign based on ACMG/AMP sequence variant interpretation guidelines (Richards et al. 2015 PMID: 25741868, with internal and published modifications).